The following is an entry in ClinVar:

ClinVar aggregate classification (germline): Uncertain significance (1 of 4 stars; one submission).

Conditions:
Menkes kinky-hair syndrome (MNK). Also called: Classic Menkes Disease; Copper transport disease; Menkes Disease. Identifiers: Orphanet 565, MedGen C0022716, MONDO:0010651, OMIM 309400.
Cutis laxa, X-linked (OHS). Also called: EDS IX; Occipital horn syndrome. Identifiers: Orphanet 198, MedGen C0268353, MONDO:0010572, OMIM 304150.
X-linked distal spinal muscular atrophy type 3. Also called: ATP7A-Related Distal Motor Neuropathy; SPINAL MUSCULAR ATROPHY, DISTAL, X-LINKED RECESSIVE; NEURONOPATHY, DISTAL HEREDITARY MOTOR, X-LINKED; NEUROPATHY, DISTAL HEREDITARY MOTOR, X-LINKED. Identifiers: Orphanet 139557, MedGen C1845359, MONDO:0010338, OMIM 300489.

Submission:

Labcorp Genetics (formerly Invitae), Labcorp
Classification: Uncertain significance for X-linked distal spinal muscular atrophy type 3; Cutis laxa, X-linked; Menkes kinky-hair syndrome. Last evaluated: 2023-09-15. Review status: criteria provided, single submitter. Criteria: Invitae Variant Classification Sherloc (09022015). Collection method: clinical testing. Allele origin: germline.
Comment: In summary, the available evidence is currently insufficient to determine the role of this variant in disease. Therefore, it has been classified as a Variant of Uncertain Significance. This sequence change replaces arginine, which is basic and polar, with lysine, which is basic and polar, at codon 1411 of the ATP7A protein (p.Arg1411Lys). This variant is not present in population databases (gnomAD no frequency). This variant has not been reported in the literature in individuals affected with ATP7A-related conditions. Advanced modeling of protein sequence and biophysical properties (such as structural, functional, and spatial information, amino acid conservation, physicochemical variation, residue mobility, and thermodynamic stability) performed at Invitae indicates that this missense variant is not expected to disrupt ATP7A protein function. Algorithms developed to predict the effect of sequence changes on RNA splicing suggest that this variant may disrupt the consensus splice site.

NM_000052.7(ATP7A):c.4232G>A (p.Arg1411Lys)

Gene: ATP7A (ATPase copper transporting alpha; plus strand). Cytogenetic location: Xq21.1.
Variant type: single nucleotide variant.
Coding change: c.4232G>A on transcript NM_000052.7 (MANE Select); coding-DNA position 4232, G replaced by A.
Protein change: p.Arg1411Lys; replaces arginine 1411 with lysine.
Molecular consequence: missense variant. On other transcripts: non-coding transcript variant (1).
Genome position (GRCh38, 1-based): chrX:78,046,299, G>A. VCF-style: chrX-78046299-G-A. GRCh37 (hg19) VCF-style: chrX-77301796-G-A.
Other names: c.3998G>A, p.Arg1333Lys (NM_001282224.2); short protein forms R1333K, R1411K.
Identifiers: ClinVar variation 2950218 (VCV002950218.3), dbSNP rs2522427210, ClinGen allele CA413605971.
Genomic context (GRCh38, chrX:78,046,299, plus strand): 5'-AGCATCTCATTTACTTTTGGTTATTTGAAACTAGCATACTTTTGCATATGTCCAGTTACA[G>A]GAAACCAACTTACGAGAGTTATGAACTGCCTGCCCGGAGCCAGATAGGACAGAAGAGTCC-3'
Protein context (NP_000043.4, residues 1401-1421): VLSSLFLKLY[Arg1411Lys]KPTYESYELP